The following is an entry in ClinVar:

NM_001206744.2(TPO):c.295C>T (p.Gln99Ter)

Gene: TPO (thyroid peroxidase; plus strand). Cytogenetic location: 2p25.3.
Variant type: single nucleotide variant.
Coding change: c.295C>T on transcript NM_001206744.2 (MANE Select); coding-DNA position 295, C replaced by T.
Protein change: p.Gln99Ter; replaces glutamine 99 with a stop codon.
Molecular consequence: nonsense.
Genome position (GRCh38, 1-based): chr2:1,433,553, C>T. VCF-style: chr2-1433553-C-T. GRCh37 (hg19) VCF-style: chr2-1437325-C-T.
Other names: c.295C>T, p.Gln99Ter (NM_000547.6, NM_001206745.2, NM_175719.4 and 2 more transcripts); short protein forms Q99*.
Identifiers: ClinVar variation 2770499 (VCV002770499.3), dbSNP rs2545838508, ClinGen allele CA345729648.

ClinVar aggregate classification (germline): Pathogenic (1 of 4 stars; one submission).

Submission:

Labcorp Genetics (formerly Invitae), Labcorp
Classification: Pathogenic. Last evaluated: 2023-10-22. Review status: criteria provided, single submitter. Criteria: Invitae Variant Classification Sherloc (09022015). Collection method: clinical testing. Allele origin: germline.
Comment: This sequence change creates a premature translational stop signal (p.Gln99*) in the TPO gene. It is expected to result in an absent or disrupted protein product. Loss-of-function variants in TPO are known to be pathogenic (PMID: 11061528, 23236987, 25564141). This variant is not present in population databases (gnomAD no frequency). This variant has not been reported in the literature in individuals affected with TPO-related conditions. For these reasons, this variant has been classified as Pathogenic.

Literature cited by the submitters: PubMed 11061528; PubMed 23236987; PubMed 25564141.